The following is an entry in ClinVar:

ClinVar aggregate classification (germline): Uncertain significance. Review status: criteria provided, single submitter (1 of 4 stars). 3 submissions from 3 submitters: Uncertain significance (1). 2 of the submissions do not count toward it. Last evaluated 2023-08-10.

Conditions:
Primary ciliary dyskinesia 19. Also called: CILIARY DYSKINESIA, PRIMARY, 19, WITH OR WITHOUT SITUS INVERSUS. Identifiers: Orphanet 244, MedGen C3543826, MONDO:0013979, OMIM 614935.

Allele frequency attached by ClinVar (database versions not stated): gnomAD 0.00001; gnomAD exomes 0.00003; TOPMed 0.00003; ExAC 0.00005.
gnomAD v4.1: 31 of 1,380,430 alleles (0.0022%); highest among the groups gnomAD compares: Non-Finnish European, 0.0031%; no homozygotes.

Submissions (3):

Labcorp Genetics (formerly Invitae), Labcorp
Classification: Uncertain significance for Primary ciliary dyskinesia 19. Last evaluated: 2023-08-10. Review status: criteria provided, single submitter. Criteria: Invitae Variant Classification Sherloc (09022015). Collection method: clinical testing. Allele origin: germline.
Comment: This variant is present in population databases (rs397514596, gnomAD 0.006%). This sequence change replaces alanine, which is neutral and non-polar, with proline, which is neutral and non-polar, at codon 74 of the LRRC6 protein (p.Ala74Pro). This missense change has been observed in individual(s) with clinical features of primary ciliary dyskinesia (PMID: 23122589, 27637300). ClinVar contains an entry for this variant (Variation ID: 39797). Advanced modeling of protein sequence and biophysical properties (such as structural, functional, and spatial information, amino acid conservation, physicochemical variation, residue mobility, and thermodynamic stability) performed at Invitae indicates that this missense variant is expected to disrupt LRRC6 protein function. In summary, the available evidence is currently insufficient to determine the role of this variant in disease. Therefore, it has been classified as a Variant of Uncertain Significance.

OMIM
Classification: Pathogenic for CILIARY DYSKINESIA, PRIMARY, 19. Last evaluated: 2012-11-02. Review status: no assertion criteria provided. Collection method: literature only. Allele origin: germline. Not counted in ClinVar's aggregate classification.

GeneReviews
No classification provided. Condition: Primary ciliary dyskinesia 19. Review status: no classification provided. Collection method: literature only. Allele origin: unknown. Not counted in ClinVar's aggregate classification.

Literature cited by the submitters: PubMed 23122589 (cited by 3 submitters); PubMed 27637300 (cited by Labcorp Genetics (formerly Invitae), Labcorp); PubMed 20301301 (cited by GeneReviews); NCBI Bookshelf NBK1122 (cited by GeneReviews).

NM_012472.6(DNAAF11):c.220G>C (p.Ala74Pro)

Gene: DNAAF11 (dynein axonemal assembly factor 11; minus strand). Cytogenetic location: 8q24.22.
Variant type: single nucleotide variant.
Coding change: c.220G>C on transcript NM_012472.6 (MANE Select); coding-DNA position 220, G replaced by C.
Protein change: p.Ala74Pro; replaces alanine 74 with proline.
Molecular consequence: missense variant. On other transcripts: 5 prime UTR variant (4), non-coding transcript variant (7), intron variant (1).
Genome position (GRCh38, 1-based): chr8:132,656,866, C>G on the plus strand (G>C on the coding strand, the complement: DNAAF11 is on the minus strand). VCF-style: chr8-132656866-C-G. GRCh37 (hg19) VCF-style: chr8-133669112-C-G.
Other names: c.220G>C, p.Ala74Pro (NM_001321961.2); c.-141G>C (NM_001321963.2, NM_001321964.2, NM_001321966.2); c.-454G>C (NM_001321965.2); c.10+18618G>C (NM_001321962.2); short protein forms A74P.
Identifiers: ClinVar variation 39797 (VCV000039797.6), dbSNP rs397514596, ClinGen allele CA343818.